The following is an entry in ClinVar:

NM_001376938.2(IQSEC1):c.195C>T (p.Ala65=)

Gene: IQSEC1 (IQ motif and Sec7 domain ArfGEF 1; minus strand). Cytogenetic location: 3p25.1.
Variant type: single nucleotide variant.
Coding change: c.195C>T on transcript NM_001376938.2; coding-DNA position 195, C replaced by T.
Protein change: p.Ala65=; no amino-acid change (alanine 65 retained).
Molecular consequence: synonymous variant.
Genome position (GRCh38, 1-based): chr3:13,282,788, G>A on the plus strand (C>T on the coding strand, the complement: IQSEC1 is on the minus strand). VCF-style: chr3-13282788-G-A. GRCh37 (hg19) VCF-style: chr3-13324288-G-A.
Identifiers: ClinVar variation 5041617 (VCV005041617.1).

ClinVar aggregate classification (germline): Likely benign (1 of 4 stars; one submission).

gnomAD v4.1: 1 of 148,126 alleles (0.00068%); highest among the groups gnomAD compares: Admixed American, 0.0067%; no homozygotes.

Submission:

CeGaT Center for Human Genetics Tuebingen
Classification: Likely benign. Last evaluated: 2026-09-01. Review status: criteria provided, single submitter. Criteria: CeGaT Center For Human Genetics Tuebingen Variant Classification Criteria Version 2. Collection method: clinical testing. Allele origin: germline. Affected: yes. Observed: 1 variant allele.
Comment: IQSEC1: BP4, BP7